The following is an entry in ClinVar:

ClinVar aggregate classification (germline): Uncertain significance (1 of 4 stars; one submission).

Conditions:
Joubert syndrome. Also called: CEREBELLOPARENCHYMAL DISORDER IV; JOUBERT-BOLTSHAUSER SYNDROME; Familial aplasia of the vermis. Identifiers: Orphanet 475, MedGen C5979921, MONDO:0018772.
Meckel-Gruber syndrome. Also called: DYSENCEPHALIA SPLANCHNOCYSTICA; GRUBER SYNDROME; Dysencephalia splachnocystica. Identifiers: Orphanet 564, MedGen C0265215, MONDO:0018921.

Allele frequency attached by ClinVar (database versions not stated): gnomAD 0.00001; 1000 Genomes Project 30x 0.00031.
gnomAD v4.1: 1 of 1,611,850 alleles (0.000062%); highest among the groups gnomAD compares: Admixed American, 0.0017%; no homozygotes.

Submission:

Labcorp Genetics (formerly Invitae), Labcorp
Classification: Uncertain significance for Joubert syndrome; Meckel-Gruber syndrome. Last evaluated: 2024-06-03. Review status: criteria provided, single submitter. Criteria: Invitae Variant Classification Sherloc (09022015). Collection method: clinical testing. Allele origin: germline.
Comment: This sequence change replaces aspartic acid, which is acidic and polar, with glycine, which is neutral and non-polar, at codon 171 of the TCTN1 protein (p.Asp171Gly). This variant is not present in population databases (gnomAD no frequency). This variant has not been reported in the literature in individuals affected with TCTN1-related conditions. Advanced modeling of protein sequence and biophysical properties (such as structural, functional, and spatial information, amino acid conservation, physicochemical variation, residue mobility, and thermodynamic stability) performed at Invitae indicates that this missense variant is expected to disrupt TCTN1 protein function with a positive predictive value of 80%. In summary, the available evidence is currently insufficient to determine the role of this variant in disease. Therefore, it has been classified as a Variant of Uncertain Significance.

NM_001082538.3(TCTN1):c.512A>G (p.Asp171Gly)

Gene: TCTN1 (tectonic family member 1; plus strand). Cytogenetic location: 12q24.11.
Variant type: single nucleotide variant.
Coding change: c.512A>G on transcript NM_001082538.3 (MANE Select); coding-DNA position 512, A replaced by G.
Protein change: p.Asp171Gly; replaces aspartic acid 171 with glycine.
Molecular consequence: missense variant. On other transcripts: 5 prime UTR variant (1), non-coding transcript variant (1).
Genome position (GRCh38, 1-based): chr12:110,628,806, A>G. VCF-style: chr12-110628806-A-G. GRCh37 (hg19) VCF-style: chr12-111066611-A-G.
Other names: c.512A>G, p.Asp171Gly (NM_001082537.3, NM_001319680.2, NM_024549.6); c.344A>G, p.Asp115Gly (NM_001173975.3, NM_001319682.3); c.332A>G, p.Asp111Gly (NM_001173976.2); c.-23A>G (NM_001319681.2); short protein forms D171G, D111G, D115G.
Identifiers: ClinVar variation 2939724 (VCV002939724.3), dbSNP rs2136005462, ClinGen allele CA386702295.